The following is an entry in ClinVar:

NM_001100.4(ACTA1):c.611C>T (p.Thr204Ile)

Gene: ACTA1 (actin alpha 1, skeletal muscle; minus strand). Cytogenetic location: 1q42.13.
Variant type: single nucleotide variant.
Coding change: c.611C>T on transcript NM_001100.4 (MANE Select); coding-DNA position 611, C replaced by T.
Protein change: p.Thr204Ile; replaces threonine 204 with isoleucine.
Molecular consequence: missense variant.
Genome position (GRCh38, 1-based): chr1:229,432,275, G>A on the plus strand (C>T on the coding strand, the complement: ACTA1 is on the minus strand). VCF-style: chr1-229432275-G-A. GRCh37 (hg19) VCF-style: chr1-229568022-G-A.
Other names: short protein forms T204I.
Identifiers: ClinVar variation 2202998 (VCV002202998.4), dbSNP rs2527437709, ClinGen allele CA345147742.

ClinVar aggregate classification (germline): Pathogenic (1 of 4 stars; one submission).

Conditions:
Actin accumulation myopathy (CMYO2A). Also called: CONGENITAL MYOPATHY 2A, TYPICAL, AUTOSOMAL DOMINANT; Nemaline myopathy type 3; Myopathy, actin, congenital, with excess of thin myofilaments; Myopathy, actin, congenital, with cores; Nemaline myopathy 3, with intranuclear rods. Identifiers: Orphanet 98904, MedGen C3711389, MONDO:0008070, OMIM 161800.

Submission:

Labcorp Genetics (formerly Invitae), Labcorp
Classification: Pathogenic for Actin accumulation myopathy. Last evaluated: 2022-07-11. Review status: criteria provided, single submitter. Criteria: Invitae Variant Classification Sherloc (09022015). Collection method: clinical testing. Allele origin: germline.
Comment: For these reasons, this variant has been classified as Pathogenic. Advanced modeling of protein sequence and biophysical properties (such as structural, functional, and spatial information, amino acid conservation, physicochemical variation, residue mobility, and thermodynamic stability) performed at Invitae indicates that this missense variant is expected to disrupt ACTA1 protein function. This missense change has been observed in individual(s) with clinical features of autosomal dominant ACTA1-related conditions (PMID: 25088345, 28780987). In at least one individual the variant was observed to be de novo. This variant is not present in population databases (gnomAD no frequency). This sequence change replaces threonine, which is neutral and polar, with isoleucine, which is neutral and non-polar, at codon 204 of the ACTA1 protein (p.Thr204Ile).

Literature cited by the submitters: PubMed 25088345; PubMed 28780987.